The following is an entry in ClinVar:

NM_182948.4(PRKACB):c.250-521C>A

Gene: PRKACB (protein kinase cAMP-activated catalytic subunit beta; plus strand). Cytogenetic location: 1p31.1.
Variant type: single nucleotide variant.
Coding change: c.250-521C>A on transcript NM_182948.4 (MANE Select); 521 bases into the intron before coding-DNA position 250, C replaced by A.
Molecular consequence: intron variant. On other transcripts: missense variant (1).
Genome position (GRCh38, 1-based): chr1:84,181,679, C>A. VCF-style: chr1-84181679-C-A. GRCh37 (hg19) VCF-style: chr1-84647362-C-A.
Other names: c.70-521C>A (NM_001375565.1, NM_001375579.1, NM_001375580.1); c.127-521C>A (NM_001300915.2, NM_001375571.1, NM_001242860.3); c.118-521C>A (NM_001375573.1, NM_001375575.1, NM_001375560.1 and 1 more transcripts); c.103-521C>A (NM_001375574.1, NM_001375577.1, NM_001375561.1); c.20C>A, p.Ser7Tyr (NM_001242862.3); c.109-521C>A (NM_002731.4, NM_001375576.1, NM_207578.3); c.250-521C>A (NM_001300916.2); c.130-521C>A (NM_001242857.3, NM_001375581.1, NM_001375569.1); and 5 more; short protein forms S7Y.
Identifiers: ClinVar variation 5037145 (VCV005037145.2).

ClinVar aggregate classification (germline): Conflicting classifications of pathogenicity. Review status: criteria provided, conflicting classifications (1 of 4 stars). 2 submissions from 2 submitters: Uncertain significance (1); Likely benign (1). Last evaluated 2026-08-01.

gnomAD v4.1: 1,099 of 1,520,348 alleles (0.072%); highest among the groups gnomAD compares: Non-Finnish European, 0.088%; 1 homozygote.

Submissions (2):

CeGaT Center for Human Genetics Tuebingen
Classification: Likely benign. Last evaluated: 2026-08-01. Review status: criteria provided, single submitter. Criteria: CeGaT Center For Human Genetics Tuebingen Variant Classification Criteria Version 2. Collection method: clinical testing. Allele origin: germline. Affected: yes. Observed: 1 variant allele.
Comment: PRKACB: BS1

GeneDx
Classification: Uncertain significance. Last evaluated: 2026-04-13. Review status: criteria provided, single submitter. Criteria: GeneDx Variant Classification Process June 2021. Collection method: clinical testing. Allele origin: germline.
Comment: In silico analysis suggests that this missense variant does not alter protein structure/function; Has not been previously published as pathogenic or benign to our knowledge; Reported using an alternate transcript of the gene